The following is an entry in ClinVar:

NM_001256012.3(MYH10):c.1666G>C (p.Asp556His)

Gene: MYH10 (myosin heavy chain 10; minus strand). Cytogenetic location: 17p13.1.
Variant type: single nucleotide variant.
Coding change: c.1666G>C on transcript NM_001256012.3 (MANE Select); coding-DNA position 1666, G replaced by C.
Protein change: p.Asp556His; replaces aspartic acid 556 with histidine.
Molecular consequence: missense variant.
Genome position (GRCh38, 1-based): chr17:8,535,871, C>G on the plus strand (G>C on the coding strand, the complement: MYH10 is on the minus strand). VCF-style: chr17-8535871-C-G. GRCh37 (hg19) VCF-style: chr17-8439189-C-G.
Other names: c.1663G>C, p.Asp555His (NM_001256095.2); c.1666G>C, p.Asp556His (NM_001375266.1); c.1636G>C, p.Asp546His (NM_005964.5); short protein forms D555H, D546H, D556H.
Identifiers: ClinVar variation 4994741 (VCV004994741.1).

ClinVar aggregate classification (germline): Uncertain significance (1 of 4 stars; one submission).

Conditions:
MYH10-related disorder. Also called: MYH10-related condition.

Submission:

PreventionGenetics, part of Exact Sciences
Classification: Uncertain significance for MYH10-related condition. Last evaluated: 2025-11-25. Review status: criteria provided, single submitter. Criteria: ACMG Guidelines, 2015. Collection method: clinical testing. Allele origin: germline.
Comment: The MYH10 c.1666G>C variant is predicted to result in the amino acid substitution p.Asp556His. To our knowledge, this variant has not been reported in the literature or in a large population database (gnomAD), indicating this variant is rare. At this time, the clinical significance of this variant is uncertain due to the absence of conclusive functional and genetic evidence.